The following is an entry in ClinVar:

NM_000222.3(KIT):c.488T>G (p.Ile163Ser)

Gene: KIT (KIT proto-oncogene, receptor tyrosine kinase; plus strand). Cytogenetic location: 4q12.
Variant type: single nucleotide variant.
Coding change: c.488T>G on transcript NM_000222.3 (MANE Select); coding-DNA position 488, T replaced by G.
Protein change: p.Ile163Ser; replaces isoleucine 163 with serine.
Molecular consequence: missense variant.
Genome position (GRCh38, 1-based): chr4:54,698,434, T>G. VCF-style: chr4-54698434-T-G. GRCh37 (hg19) VCF-style: chr4-55564600-T-G.
Other names: c.488T>G, p.Ile163Ser (NM_001093772.2, NM_001385284.1, NM_001385285.1 and 4 more transcripts); short protein forms I163S.
Identifiers: ClinVar variation 1523220 (VCV001523220.8), dbSNP rs2109673327, ClinGen allele CA356897695.

ClinVar aggregate classification (germline): Uncertain significance (1 of 4 stars; one submission).

Conditions:
Gastrointestinal stromal tumor. Also called: Gastrointestinal stromal tumor, somatic; Gastrointestinal stroma tumor. Identifiers: Orphanet 44890, MedGen C0238198, MeSH D046152, MONDO:0011719, OMIM 606764, HP:0100723.

Submission:

Labcorp Genetics (formerly Invitae), Labcorp
Classification: Uncertain significance for Gastrointestinal stromal tumor. Last evaluated: 2021-04-05. Review status: criteria provided, single submitter. Criteria: Invitae Variant Classification Sherloc (09022015). Collection method: clinical testing. Allele origin: germline.
Comment: This variant has not been reported in the literature in individuals with KIT-related conditions. This variant is not present in population databases (ExAC no frequency). This sequence change replaces isoleucine with serine at codon 163 of the KIT protein (p.Ile163Ser). The isoleucine residue is weakly conserved and there is a large physicochemical difference between isoleucine and serine. Algorithms developed to predict the effect of missense changes on protein structure and function (SIFT, PolyPhen-2, Align-GVGD) all suggest that this variant is likely to be tolerated, but these predictions have not been confirmed by published functional studies and their clinical significance is uncertain. In summary, the available evidence is currently insufficient to determine the role of this variant in disease. Therefore, it has been classified as a Variant of Uncertain Significance.